The following is an entry in ClinVar:

ClinVar aggregate classification (germline): Uncertain significance (1 of 4 stars; one submission).

Conditions:
Amyotrophic lateral sclerosis type 1 (ALS1). Also called: AMYOTROPHIC LATERAL SCLEROSIS 1, FAMILIAL. Identifiers: Orphanet 803, MedGen C1862939, MONDO:0007103, OMIM 105400.
Neuronopathy, distal hereditary motor, type 7B. Also called: HMN VIIB; LOWER MOTOR NEURON DISEASE, DYNACTIN TYPE; NEURONOPATHY, DISTAL HEREDITARY MOTOR, AUTOSOMAL DOMINANT 14; NEURONOPATHY, DISTAL HEREDITARY MOTOR, HARDING TYPE VIIB; NEUROPATHY, DISTAL HEREDITARY MOTOR, HARDING TYPE VIIB; NEUROPATHY, DISTAL HEREDITARY MOTOR, WITH VOCAL CORD PARALYSIS, HARDING TYPE VIIB. Identifiers: Orphanet 139589, MedGen C1843315, MONDO:0011879, OMIM 607641.
Perry syndrome. Also called: PARKINSONISM WITH ALVEOLAR HYPOVENTILATION AND MENTAL DEPRESSION. Identifiers: Orphanet 178509, MedGen C1868594, MONDO:0008201, OMIM 168605.

gnomAD v4.1: 17 of 1,587,160 alleles (0.0011%); highest among the groups gnomAD compares: Admixed American, 0.0018%; no homozygotes.

Submission:

Labcorp Genetics (formerly Invitae), Labcorp
Classification: Uncertain significance for Amyotrophic lateral sclerosis type 1; Neuronopathy, distal hereditary motor, type 7B; Perry syndrome. Last evaluated: 2024-03-24. Review status: criteria provided, single submitter. Criteria: Invitae Variant Classification Sherloc (09022015). Collection method: clinical testing. Allele origin: germline.
Comment: This sequence change replaces proline, which is neutral and non-polar, with leucine, which is neutral and non-polar, at codon 199 of the DCTN1 protein (p.Pro199Leu). The frequency data for this variant in the population databases is considered unreliable, as metrics indicate poor data quality at this position in the gnomAD database. This variant has not been reported in the literature in individuals affected with DCTN1-related conditions. Advanced modeling of protein sequence and biophysical properties (such as structural, functional, and spatial information, amino acid conservation, physicochemical variation, residue mobility, and thermodynamic stability) performed at Invitae indicates that this missense variant is not expected to disrupt DCTN1 protein function with a negative predictive value of 80%. In summary, the available evidence is currently insufficient to determine the role of this variant in disease. Therefore, it has been classified as a Variant of Uncertain Significance.

NM_004082.5(DCTN1):c.596C>T (p.Pro199Leu)

Gene: DCTN1 (dynactin subunit 1; minus strand). Cytogenetic location: 2p13.1.
Variant type: single nucleotide variant.
Coding change: c.596C>T on transcript NM_004082.5 (MANE Select); coding-DNA position 596, C replaced by T.
Protein change: p.Pro199Leu; replaces proline 199 with leucine.
Molecular consequence: missense variant. On other transcripts: non-coding transcript variant (1).
Genome position (GRCh38, 1-based): chr2:74,371,586, G>A on the plus strand (C>T on the coding strand, the complement: DCTN1 is on the minus strand). VCF-style: chr2-74371586-G-A. GRCh37 (hg19) VCF-style: chr2-74598713-G-A.
Other names: c.536C>T, p.Pro179Leu (NM_001135040.3); c.194C>T, p.Pro65Leu (NM_001135041.3, NM_023019.4); c.485C>T, p.Pro162Leu (NM_001190836.2); c.575C>T, p.Pro192Leu (NM_001190837.2); c.545C>T, p.Pro182Leu (NM_001378991.1); c.527C>T, p.Pro176Leu (NM_001378992.1); short protein forms P162L, P176L, P179L, P182L, P192L, P199L, P65L.
Identifiers: ClinVar variation 3760890 (VCV003760890.2).